The following is an entry in ClinVar:

NM_201384.3(PLEC):c.2178+9C>G

Gene: PLEC (plectin; minus strand). Cytogenetic location: 8q24.3.
Variant type: single nucleotide variant.
Coding change: c.2178+9C>G on transcript NM_201384.3 (MANE Select); 9 bases into the intron after coding-DNA position 2178, C replaced by G.
Molecular consequence: intron variant.
Genome position (GRCh38, 1-based): chr8:143,931,928, G>C on the plus strand (C>G on the coding strand, the complement: PLEC is on the minus strand). VCF-style: chr8-143931928-G-C. GRCh37 (hg19) VCF-style: chr8-145006096-G-C.
Other names: p.?; c.2259+9C>G (NM_000445.5); c.2136+9C>G (NM_201378.4); c.2112+9C>G (NM_201379.3); c.2589+9C>G (NM_201380.4); c.2082+9C>G (NM_201381.3); c.2178+9C>G (NM_201382.4); c.2190+9C>G (NM_201383.3).
Identifiers: ClinVar variation 93036 (VCV000093036.22), dbSNP rs114256617, ClinGen allele CA146314.

ClinVar aggregate classification (germline): Benign. Review status: criteria provided, multiple submitters, no conflicts (2 of 4 stars). 7 submissions from 7 submitters: Benign (6). 1 of the submissions does not count toward it. Last evaluated 2026-02-03.

Conditions:
Epidermolysis bullosa simplex, Ogna type (EBS5A). Also called: Pidermolysis bullosa simplex 5A, Ogna type; EPIDERMOLYSIS BULLOSA SIMPLEX 5A, OGNA TYPE. Identifiers: Orphanet 79401, MedGen C0432317, MONDO:0007555, OMIM 131950.
Autosomal recessive limb-girdle muscular dystrophy type 2Q (LGMDR17). Also called: MUSCULAR DYSTROPHY, LIMB-GIRDLE, AUTOSOMAL RECESSIVE 17. Identifiers: Orphanet 254361, MedGen C3150989, MONDO:0013390, OMIM 613723.
Epidermolysis bullosa simplex 5C, with pyloric atresia (EBS5C). Also called: PLEC-Related Epidermolysis Bullosa with Pyloric Atresia; Epidermolysis bullosa simplex with pyloric atresia; PLEC1-Related Epidermolysis Bullosa with Pyloric Atresia. Identifiers: Orphanet 158684, MedGen C2677349, MONDO:0012807, OMIM 612138.
Epidermolysis bullosa simplex with nail dystrophy (EBS5D). Identifiers: MedGen C4225309, MONDO:0014661, OMIM 616487.
Epidermolysis bullosa simplex 5B, with muscular dystrophy (EBS5B). Also called: EPIDERMOLYSIS BULLOSA SIMPLEX AND LIMB-GIRDLE MUSCULAR DYSTROPHY; Epidermolysis bullosa simplex with muscular dystrophy. Identifiers: Orphanet 257, MedGen C2931072, MONDO:0009181, OMIM 226670.

Allele frequency attached by ClinVar (database versions not stated): ESP Exome Variant Server 0.02939; TOPMed 0.02942; 1000 Genomes Project 0.03674; 1000 Genomes Project 30x 0.03935.
gnomAD v4.1: 8,433 of 1,600,436 alleles (0.53%); highest among the groups gnomAD compares: African/African-American, 9.9%; 387 homozygotes.

Submissions (7):

Labcorp Genetics (formerly Invitae), Labcorp
Classification: Benign for Autosomal recessive limb-girdle muscular dystrophy type 2Q; Epidermolysis bullosa simplex, Ogna type; Epidermolysis bullosa simplex with nail dystrophy; Epidermolysis bullosa simplex 5C, with pyloric atresia; Epidermolysis bullosa simplex 5B, with muscular dystrophy. Last evaluated: 2026-02-03. Review status: criteria provided, single submitter. Criteria: Invitae Variant Classification Sherloc (09022015). Collection method: clinical testing. Allele origin: germline.

Athena Diagnostics
Classification: Benign. Last evaluated: 2024-04-15. Review status: criteria provided, single submitter. Criteria: Athena Diagnostics Criteria. Collection method: clinical testing. Allele origin: unknown.

Mayo Clinic Laboratories, Mayo Clinic
Classification: Benign. Last evaluated: 2018-05-23. Review status: criteria provided, single submitter. Criteria: ACMG Guidelines, 2015. Collection method: clinical testing. Allele origin: germline. Observed: 29 variant alleles.

GeneDx
Classification: Benign. Last evaluated: 2016-04-19. Review status: criteria provided, single submitter. Criteria: GeneDx Variant Classification (06012015). Collection method: clinical testing. Allele origin: germline. Affected: yes.
Comment: This variant is considered likely benign or benign based on one or more of the following criteria: it is a conservative change, it occurs at a poorly conserved position in the protein, it is predicted to be benign by multiple in silico algorithms, and/or has population frequency not consistent with disease.

Eurofins Ntd Llc (ga)
Classification: Benign. Last evaluated: 2013-08-27. Review status: criteria provided, single submitter. Criteria: EGL Classification Definitions 2015. Collection method: clinical testing. Allele origin: germline. Observed: 1 variant allele, 1 heterozygote.

Breakthrough Genomics
Classification: Benign. Review status: criteria provided, single submitter. Criteria: ACMG Guidelines, 2015. Collection method: not provided. Allele origin: germline. Inheritance: Autosomal recessive inheritance. Affected: yes.

Genetic Services Laboratory, University of Chicago
Classification: Likely benign for AllHighlyPenetrant. Review status: no assertion criteria provided. Collection method: clinical testing. Allele origin: germline. Inheritance: Autosomal recessive inheritance. Not counted in ClinVar's aggregate classification.
Comment: Likely benign based on allele frequency in 1000 Genomes Project or ESP global frequency and its presence in a patient with a rare or unrelated disease phenotype. NOT Sanger confirmed.